The following is an entry in ClinVar:

NM_001370259.2(MEN1):c.181C>G (p.Leu61Val)

Gene: MEN1 (menin 1; minus strand). Cytogenetic location: 11q13.1.
Variant type: single nucleotide variant.
Coding change: c.181C>G on transcript NM_001370259.2 (MANE Select); coding-DNA position 181, C replaced by G.
Protein change: p.Leu61Val; replaces leucine 61 with valine.
Molecular consequence: missense variant. On other transcripts: non-coding transcript variant (4).
Genome position (GRCh38, 1-based): chr11:64,809,929, G>C on the plus strand (C>G on the coding strand, the complement: MEN1 is on the minus strand). VCF-style: chr11-64809929-G-C. GRCh37 (hg19) VCF-style: chr11-64577401-G-C.
Other names: c.181C>G, p.Leu61Val (NM_000244.4, NM_001370251.2, NM_001370260.2 and 20 more transcripts); short protein forms L61V.
Identifiers: ClinVar variation 5024276 (VCV005024276.1).

ClinVar aggregate classification (germline): Uncertain significance (1 of 4 stars; one submission).

Conditions:
Hereditary cancer-predisposing syndrome. Also called: Neoplastic Syndromes, Hereditary; Tumor predisposition; Hereditary neoplastic syndrome; Hereditary Cancer Syndrome. Identifiers: Orphanet 140162, MedGen C0027672, MeSH D009386, MONDO:0015356.

Submission:

Ambry Genetics
Classification: Uncertain significance for Hereditary cancer-predisposing syndrome. Last evaluated: 2026-07-02. Review status: criteria provided, single submitter. Criteria: Ambry Variant Classification Scheme 2023. Collection method: clinical testing. Allele origin: germline.
Comment: The p.L61V variant (also known as c.181C>G), located in coding exon 1 of the MEN1 gene, results from a C to G substitution at nucleotide position 181. The leucine at codon 61 is replaced by valine, an amino acid with highly similar properties. This amino acid position is conserved. In addition, the in silico prediction for this alteration is inconclusive. Based on the available evidence, the clinical significance of this variant remains unclear.